The following is an entry in ClinVar:

NM_170606.3(KMT2C):c.10274T>G (p.Leu3425Trp)

Gene: KMT2C (lysine methyltransferase 2C; minus strand). Cytogenetic location: 7q36.1.
Variant type: single nucleotide variant.
Coding change: c.10274T>G on transcript NM_170606.3 (MANE Select); coding-DNA position 10274, T replaced by G.
Protein change: p.Leu3425Trp; replaces leucine 3425 with tryptophan.
Molecular consequence: missense variant.
Genome position (GRCh38, 1-based): chr7:152,163,303, A>C on the plus strand (T>G on the coding strand, the complement: KMT2C is on the minus strand). VCF-style: chr7-152163303-A-C. GRCh37 (hg19) VCF-style: chr7-151860388-A-C.
Other names: short protein forms L3425W.
Identifiers: ClinVar variation 2800610 (VCV002800610.3), dbSNP rs2487691233, ClinGen allele CA370104152.
Genomic context (GRCh38, chr7:152,163,303, plus strand): 5'-CTACTACTACTTATCTCAGAGCCCACCATACCATGCTGCTCCATTTCCATCCTCTGCTGC[A>C]AAGCTCTTTGTCTATCTACCTCCTGCATGAGTTGGATCCGTTGTCTCTCTTGCTGTTCTC-3'
Protein context (NP_733751.2, residues 3415-3435): LMQEVDRQRA[Leu3425Trp]QQRMEMEQHG

ClinVar aggregate classification (germline): Uncertain significance (1 of 4 stars; one submission).

Allele frequency attached by ClinVar (database versions not stated): gnomAD exomes below 0.00001.
gnomAD v4.1: 1 of 1,614,202 alleles (0.000062%); highest among the groups gnomAD compares: Non-Finnish European, 0.000085%; no homozygotes.

Submission:

Labcorp Genetics (formerly Invitae), Labcorp
Classification: Uncertain significance. Last evaluated: 2023-10-11. Review status: criteria provided, single submitter. Criteria: Invitae Variant Classification Sherloc (09022015). Collection method: clinical testing. Allele origin: germline.
Comment: This sequence change replaces leucine, which is neutral and non-polar, with tryptophan, which is neutral and slightly polar, at codon 3425 of the KMT2C protein (p.Leu3425Trp). This variant is not present in population databases (gnomAD no frequency). This variant has not been reported in the literature in individuals affected with KMT2C-related conditions. Advanced modeling of protein sequence and biophysical properties (such as structural, functional, and spatial information, amino acid conservation, physicochemical variation, residue mobility, and thermodynamic stability) performed at Invitae indicates that this missense variant is expected to disrupt KMT2C protein function. In summary, the available evidence is currently insufficient to determine the role of this variant in disease. Therefore, it has been classified as a Variant of Uncertain Significance.